The following is an entry in ClinVar:

ClinVar aggregate classification (germline): Pathogenic (1 of 4 stars; one submission).

Conditions:
Symmetrical dyschromatosis of extremities (DSH). Also called: RETICULATE ACROPIGMENTATION OF DOHI; SYMMETRIC DYSCHROMATOSIS OF THE EXTREMITIES; Dyschromatosis symmetrica hereditaria; DYSCHROMATOSIS SYMMETRICA HEREDITARIA 1. Identifiers: Orphanet 41, MedGen C0406775, MONDO:0007483, OMIM 127400.
Aicardi-Goutieres syndrome 6 (AGS6). Identifiers: Orphanet 51, MedGen C3539013, MONDO:0014007, OMIM 615010.

Allele frequency attached by ClinVar (database versions not stated): gnomAD exomes below 0.00001.

Submission:

Labcorp Genetics (formerly Invitae), Labcorp
Classification: Pathogenic for Aicardi-Goutieres syndrome 6; Symmetrical dyschromatosis of extremities. Last evaluated: 2021-07-21. Review status: criteria provided, single submitter. Criteria: Invitae Variant Classification Sherloc (09022015). Collection method: clinical testing. Allele origin: germline.
Comment: For these reasons, this variant has been classified as Pathogenic. This variant has not been reported in the literature in individuals with ADAR-related conditions. This variant is not present in population databases (ExAC no frequency). This sequence change creates a premature translational stop signal (p.Asn711Thrfs*34) in the ADAR gene. It is expected to result in an absent or disrupted protein product. Loss-of-function variants in ADAR are known to be pathogenic (PMID: 22974014).

Literature cited by the submitters: PubMed 22974014.

NM_001111.5(ADAR):c.2128_2131dup (p.Asn711fs)

Gene: ADAR (adenosine deaminase RNA specific; minus strand). Cytogenetic location: 1q21.3.
Variant type: Duplication.
Coding change: c.2128_2131dup on transcript NM_001111.5 (MANE Select); coding-DNA positions 2128 to 2131, 4 bases duplicated (CCCA; older notation c.2128_2131dupCCCA).
Protein change: p.Asn711fs; shifts the reading frame from asparagine 711.
Molecular consequence: frameshift variant. On other transcripts: intron variant (1).
Genome position (GRCh38, 1-based): chr1:154,596,944-154,596,947, TGGG duplicated on the plus strand (CCCA on the coding strand, the reverse complement: ADAR is on the minus strand). VCF-style (leftmost placement, unchanged base first): chr1-154596943-T-TTGGG. GRCh37 (hg19) VCF-style: chr1-154569419-T-TTGGG.
Other names: c.1243_1246dup, p.Asn416fs (NM_001025107.3, NM_001193495.2, NM_001365046.1 and 3 more transcripts); c.2155_2158dup, p.Asn720fs (NM_001365045.1); c.2128_2131dup, p.Asn711fs (NM_015840.4); c.2080-9_2080-6dup (NM_015841.4); short protein forms N416fs, N711fs, N720fs.
Identifiers: ClinVar variation 1452076 (VCV001452076.6), dbSNP rs2101619771, ClinGen allele CA2573131074.